The following is an entry in ClinVar:

ClinVar aggregate classification (germline): Uncertain significance. Review status: criteria provided, multiple submitters, no conflicts (2 of 4 stars). 4 submissions from 4 submitters: Uncertain significance (4). Last evaluated 2025-06-26.

Conditions:
Arrhythmogenic cardiomyopathy with wooly hair and keratoderma. Also called: Carvajal syndrome; PALMOPLANTAR KERATODERMA WITH LEFT VENTRICULAR CARDIOMYOPATHY AND WOOLLY HAIR; Arrhythmogenic cardiomyopathy with woolly hair and keratoderma; Dilated cardiomyopathy with woolly hair and keratoderma. Identifiers: Orphanet 65282, MedGen C1854063, MONDO:0011581, OMIM 605676.
Arrhythmogenic right ventricular dysplasia 8 (ARVD8). Also called: Arrhythmogenic Right Ventricular Dysplasia/Cardiomyopathy 8; ARRHYTHMOGENIC RIGHT VENTRICULAR DYSPLASIA, FAMILIAL, 8; ARRHYTHMOGENIC RIGHT VENTRICULAR CARDIOMYOPATHY 8. Identifiers: MedGen C1843896, MONDO:0011831, OMIM 607450.
Cardiovascular phenotype. Identifiers: MedGen CN230736.

Submissions (4):

GeneDx
Classification: Uncertain significance. Last evaluated: 2025-06-26. Review status: criteria provided, single submitter. Criteria: GeneDx Variant Classification Process June 2021. Collection method: clinical testing. Allele origin: germline. Affected: yes.
Comment: Not observed at significant frequency in large population cohorts (gnomAD); In silico analysis supports that this missense variant has a deleterious effect on protein structure/function; Has not been previously published as pathogenic or benign to our knowledge

Labcorp Genetics (formerly Invitae), Labcorp
Classification: Uncertain significance for Arrhythmogenic cardiomyopathy with wooly hair and keratoderma; Arrhythmogenic right ventricular dysplasia 8. Last evaluated: 2025-04-23. Review status: criteria provided, single submitter. Criteria: Invitae Variant Classification Sherloc (09022015). Collection method: clinical testing. Allele origin: germline.
Comment: This sequence change replaces glutamic acid, which is acidic and polar, with lysine, which is basic and polar, at codon 1080 of the DSP protein (p.Glu1080Lys). This variant is not present in population databases (gnomAD no frequency). This variant has not been reported in the literature in individuals affected with DSP-related conditions. ClinVar contains an entry for this variant (Variation ID: 970503). An algorithm developed to predict the effect of missense changes on protein structure and function (PolyPhen-2) suggests that this variant is likely to be disruptive. In summary, the available evidence is currently insufficient to determine the role of this variant in disease. Therefore, it has been classified as a Variant of Uncertain Significance.

Ambry Genetics
Classification: Uncertain significance for Cardiovascular phenotype. Last evaluated: 2024-07-07. Review status: criteria provided, single submitter. Criteria: Ambry Variant Classification Scheme 2023. Collection method: clinical testing. Allele origin: germline.
Comment: The p.E1080K variant (also known as c.3238G>A), located in coding exon 23 of the DSP gene, results from a G to A substitution at nucleotide position 3238. The glutamic acid at codon 1080 is replaced by lysine, an amino acid with similar properties. This amino acid position is conserved. In addition, the in silico prediction for this alteration is inconclusive. Based on the available evidence, the clinical significance of this variant remains unclear.

All of Us Research Program, National Institutes of Health
Classification: Uncertain significance for Arrhythmogenic cardiomyopathy with wooly hair and keratoderma. Last evaluated: 2023-09-04. Review status: criteria provided, single submitter. Criteria: ACMG Guidelines, 2015. Collection method: clinical testing. Allele origin: germline. Inheritance: Autosomal dominant inheritance. Observed: 1 variant allele, 1 heterozygote.
Comment: This missense variant replaces glutamic acid with lysine at codon 1080 of the DSP protein. Computational prediction is inconclusive regarding the impact of this variant on protein structure and function (internally defined REVEL score threshold 0.5 < inconclusive < 0.7, PMID: 27666373). To our knowledge, functional studies have not been reported for this variant. This variant has not been reported in individuals affected with DSP-related disorders in the literature. This variant has not been identified in the general population by the Genome Aggregation Database (gnomAD). The available evidence is insufficient to determine the role of this variant in disease conclusively. Therefore, this variant is classified as a Variant of Uncertain Significance.

This study involves interpretation of variants in research participants for the purpose of population health screening. Participant phenotype was not available at the time of variant classification. Additional details can be found in publication PMID: 35346344, PMCID: PMC8962531

NM_004415.4(DSP):c.3238G>A (p.Glu1080Lys)

Gene: DSP (desmoplakin; plus strand). Cytogenetic location: 6p24.3.
Variant type: single nucleotide variant.
Coding change: c.3238G>A on transcript NM_004415.4 (MANE Select); coding-DNA position 3238, G replaced by A.
Protein change: p.Glu1080Lys; replaces glutamic acid 1080 with lysine.
Molecular consequence: missense variant.
Genome position (GRCh38, 1-based): chr6:7,579,428, G>A. VCF-style: chr6-7579428-G-A. GRCh37 (hg19) VCF-style: chr6-7579661-G-A.
Other names: c.3238G>A, p.Glu1080Lys (NM_001008844.3, NM_001319034.2); short protein forms E1080K.
Identifiers: ClinVar variation 970503 (VCV000970503.11), dbSNP rs1759345464, ClinGen allele CA362683370.
Genomic context (GRCh38, chr6:7,579,428, plus strand): 5'-CAGAACCTGCAGAAATACCAGGCAGAGTGTTCCCAGTTCAAAGCGAAGCTTGCGAGCCTG[G>A]AGGAGCTGAAGAGACAGGCTGAGCTGGATGGGAAGTCGGCTAAGCAAAATCTAGACAAGT-3'
Protein context (NP_004406.2, residues 1070-1090): SQFKAKLASL[Glu1080Lys]ELKRQAELDG